The following is an entry in ClinVar:

NM_005765.3(ATP6AP2):c.707C>G (p.Ala236Gly)

Gene: ATP6AP2 (ATPase H+ transporting accessory protein 2; plus strand). Cytogenetic location: Xp11.4.
Variant type: single nucleotide variant.
Coding change: c.707C>G on transcript NM_005765.3 (MANE Select); coding-DNA position 707, C replaced by G.
Protein change: p.Ala236Gly; replaces alanine 236 with glycine.
Molecular consequence: missense variant.
Genome position (GRCh38, 1-based): chrX:40,599,710, C>G. VCF-style: chrX-40599710-C-G. GRCh37 (hg19) VCF-style: chrX-40458962-C-G.
Other names: short protein forms A236G.
Identifiers: ClinVar variation 2395509 (VCV002395509.2), dbSNP rs755643806, ClinGen allele CA10387253.

ClinVar aggregate classification (germline): Uncertain significance (1 of 4 stars; one submission).

Conditions:
Inborn genetic diseases. Identifiers: MedGen C0950123, MeSH D030342.

Allele frequency attached by ClinVar (database versions not stated): gnomAD exomes 0.00001; ExAC 0.00003.

Submission:

Ambry Genetics
Classification: Uncertain significance for Inborn genetic diseases. Last evaluated: 2020-10-30. Review status: criteria provided, single submitter. Criteria: Ambry Variant Classification Scheme 2023. Collection method: clinical testing. Allele origin: germline.
Comment: The c.707C>G (p.A236G) alteration is located in exon 7 (coding exon 7) of the ATP6AP2 gene. This alteration results from a C to G substitution at nucleotide position 707, causing the alanine (A) at amino acid position 236 to be replaced by a glycine (G). Based on data from gnomAD, the G allele has an overall frequency of 0.001% (2/183228) total alleles studied, with 2 hemizygote(s) observed. The highest observed frequency was 0.01% (2/13858) of East Asian alleles. This amino acid position is highly conserved in available vertebrate species. The in silico prediction for the p.A236G alteration is inconclusive. Based on insufficient or conflicting evidence, the clinical significance of this alteration remains unclear.